The following is an entry in ClinVar:

NM_182914.3(SYNE2):c.18302C>T (p.Thr6101Ile)

Gene: SYNE2 (spectrin repeat containing nuclear envelope protein 2; plus strand). Cytogenetic location: 14q23.2.
Variant type: single nucleotide variant.
Coding change: c.18302C>T on transcript NM_182914.3 (MANE Select); coding-DNA position 18302, C replaced by T.
Protein change: p.Thr6101Ile; replaces threonine 6101 with isoleucine.
Molecular consequence: missense variant.
Genome position (GRCh38, 1-based): chr14:64,208,858, C>T. VCF-style: chr14-64208858-C-T. GRCh37 (hg19) VCF-style: chr14-64675576-C-T.
Other names: c.18302C>T, p.Thr6101Ile (NM_015180.6); short protein forms T6101I.
Identifiers: ClinVar variation 2200178 (VCV002200178.4), dbSNP rs1399687991, ClinGen allele CA389948460.

ClinVar aggregate classification (germline): Uncertain significance (1 of 4 stars; one submission).

Conditions:
Emery-Dreifuss muscular dystrophy 5, autosomal dominant (EDMD5). Also called: EMERY-DREIFUSS MUSCULAR DYSTROPHY 5. Identifiers: Orphanet 261, MedGen C2751805, MONDO:0013072, OMIM 612999.

Allele frequency attached by ClinVar (database versions not stated): gnomAD 0.00001.
gnomAD v4.1: 5 of 1,614,080 alleles (0.00031%); highest among the groups gnomAD compares: South Asian, 0.0033%; no homozygotes.

Submission:

Labcorp Genetics (formerly Invitae), Labcorp
Classification: Uncertain significance for Emery-Dreifuss muscular dystrophy 5, autosomal dominant. Last evaluated: 2022-02-28. Review status: criteria provided, single submitter. Criteria: Invitae Variant Classification Sherloc (09022015). Collection method: clinical testing. Allele origin: germline.
Comment: In summary, the available evidence is currently insufficient to determine the role of this variant in disease. Therefore, it has been classified as a Variant of Uncertain Significance. Algorithms developed to predict the effect of missense changes on protein structure and function are either unavailable or do not agree on the potential impact of this missense change (SIFT: "Tolerated"; PolyPhen-2: "Probably Damaging"; Align-GVGD: "Class C0"). This variant has not been reported in the literature in individuals affected with SYNE2-related conditions. This variant is present in population databases (no rsID available, gnomAD 0.003%). This sequence change replaces threonine, which is neutral and polar, with isoleucine, which is neutral and non-polar, at codon 6101 of the SYNE2 protein (p.Thr6101Ile).